The following is an entry in ClinVar:

NM_000059.4(BRCA2):c.5954C>G (p.Ser1985Cys)

Gene: BRCA2 (BRCA2 DNA repair associated; plus strand). Cytogenetic location: 13q13.1.
Variant type: single nucleotide variant.
Coding change: c.5954C>G on transcript NM_000059.4 (MANE Select); coding-DNA position 5954, C replaced by G.
Protein change: p.Ser1985Cys; replaces serine 1985 with cysteine.
Molecular consequence: missense variant.
Genome position (GRCh38, 1-based): chr13:32,340,309, C>G. VCF-style: chr13-32340309-C-G. GRCh37 (hg19) VCF-style: chr13-32914446-C-G.
Other names: short protein forms S1985C.
Identifiers: ClinVar variation 489766 (VCV000489766.7), dbSNP rs1272409475, ClinGen allele CA387787597.

ClinVar aggregate classification (germline): Conflicting classifications of pathogenicity. Review status: criteria provided, conflicting classifications (1 of 4 stars). 2 submissions from 2 submitters: Uncertain significance (1); Likely benign (1). Last evaluated 2023-03-23.

Conditions:
Hereditary cancer-predisposing syndrome. Also called: Hereditary Cancer Syndrome; Neoplastic Syndromes, Hereditary; Tumor predisposition; Hereditary neoplastic syndrome. Identifiers: Orphanet 140162, MedGen C0027672, MeSH D009386, MONDO:0015356.

Allele frequency attached by ClinVar (database versions not stated): gnomAD exomes below 0.00001.
gnomAD v4.1: 1 of 1,613,994 alleles (0.000062%); highest among the groups gnomAD compares: South Asian, 0.0011%; no homozygotes.

Submissions (2):

University of Washington Department of Laboratory Medicine, University of Washington
Classification: Likely benign for Hereditary cancer-predisposing syndrome. Last evaluated: 2023-03-23. Review status: criteria provided, single submitter. Criteria: Dines et al. (Genet Med. 2020). Collection method: curation. Allele origin: germline.
Comment: Missense variant in a coldspot region where missense variants are very unlikely to be pathogenic (PMID:31911673).

BRCA2 exon 11 coldspot. Reclassification based on statistical prior probability.

Color Diagnostics, LLC DBA Color Health
Classification: Uncertain significance for Hereditary cancer-predisposing syndrome. Last evaluated: 2019-10-21. Review status: criteria provided, single submitter. Criteria: ACMG Guidelines, 2015. Collection method: clinical testing. Allele origin: germline.
Comment: This missense variant replaces serine with cysteine at codon 1985 of the BRCA2 protein. Computational prediction suggests that this variant may not impact protein structure and function (internally defined REVEL score threshold <= 0.5, PMID: 27666373). Splice site prediction tools suggest that this variant may not impact RNA splicing. To our knowledge, functional studies have not been performed for this variant. This variant has not been reported in individuals affected with hereditary cancer in the literature. This variant has been identified in 1/250692 chromosomes in the general population by the Genome Aggregation Database (gnomAD). The available evidence is insufficient to determine the role of this variant in disease conclusively. Therefore, this variant is classified as a Variant of Uncertain Significance.